The following is an entry in ClinVar:

NM_001287491.2(TET3):c.3343C>G (p.Leu1115Val)

Gene: TET3 (tet methylcytosine dioxygenase 3; plus strand). Cytogenetic location: 2p13.1.
Variant type: single nucleotide variant.
Coding change: c.3343C>G on transcript NM_001287491.2 (MANE Select); coding-DNA position 3343, C replaced by G.
Protein change: p.Leu1115Val; replaces leucine 1115 with valine.
Molecular consequence: missense variant.
Genome position (GRCh38, 1-based): chr2:74,099,351, C>G. VCF-style: chr2-74099351-C-G. GRCh37 (hg19) VCF-style: chr2-74326478-C-G.
Other names: c.3064C>G, p.Leu1022Val (NM_001366022.1); short protein forms L1022V, L1115V.
Identifiers: ClinVar variation 1676568 (VCV001676568.3), dbSNP rs2104198321, ClinGen allele CA347314295.

ClinVar aggregate classification (germline): Likely pathogenic (1 of 4 stars; one submission).

Conditions:
Beck-Fahrner syndrome (BEFAHRS). Identifiers: Orphanet 684216, MedGen C5394097, MONDO:0032922, OMIM 618798.

Submission:

Greenwood Genetic Center Diagnostic Laboratories, Greenwood Genetic Center
Classification: Likely pathogenic for Beck-Fahrner syndrome. Last evaluated: 2022-02-02. Review status: criteria provided, single submitter. Criteria: ACMG Guidelines, 2015. Collection method: clinical testing. Allele origin: germline. Affected: yes.
Comment: PS2, PM2